The following is an entry in ClinVar:

NM_000038.6(APC):c.6066A>G (p.Ser2022=)

Gene: APC (APC regulator of Wnt signaling pathway; plus strand). Cytogenetic location: 5q22.2.
Variant type: single nucleotide variant.
Coding change: c.6066A>G on transcript NM_000038.6 (MANE Select); coding-DNA position 6066, A replaced by G.
Protein change: p.Ser2022=; no amino-acid change (serine 2022 retained).
Molecular consequence: synonymous variant. On other transcripts: non-coding transcript variant (2).
Genome position (GRCh38, 1-based): chr5:112,841,660, A>G. VCF-style: chr5-112841660-A-G. GRCh37 (hg19) VCF-style: chr5-112177357-A-G.
Other names: c.6066A>G, p.Ser2022= (NM_001127510.3, NM_001354895.2, NM_001407450.1); c.6012A>G, p.Ser2004= (NM_001127511.3); c.6120A>G, p.Ser2040= (NM_001354896.2, NM_001407447.1, NM_001407448.1 and 1 more transcripts); c.6096A>G, p.Ser2032= (NM_001354897.2); c.5991A>G, p.Ser1997= (NM_001354898.2); c.5982A>G, p.Ser1994= (NM_001354899.2); c.5943A>G, p.Ser1981= (NM_001354900.2); c.5889A>G, p.Ser1963= (NM_001354901.2, NM_001407453.1); and 11 more.
Identifiers: ClinVar variation 1751348 (VCV001751348.5), dbSNP rs1169097707, ClinGen allele CA446209009.

ClinVar aggregate classification (germline): Benign/Likely benign. Review status: criteria provided, multiple submitters, no conflicts (2 of 4 stars). 3 submissions from 3 submitters: Benign (1); Likely benign (1). 1 of the submissions does not count toward it. Last evaluated 2024-04-03.

Conditions:
Hereditary cancer-predisposing syndrome. Also called: Hereditary Cancer Syndrome; Hereditary neoplastic syndrome; Neoplastic Syndromes, Hereditary; Tumor predisposition. Identifiers: Orphanet 140162, MedGen C0027672, MeSH D009386, MONDO:0015356.
APC-related disorder. Also called: APC-related condition.
Familial adenomatous polyposis 1 (FAP1). Also called: FAMILIAL ADENOMATOUS POLYPOSIS 1, ATTENUATED; POLYPOSIS, ADENOMATOUS INTESTINAL. Identifiers: MedGen C2713442, MONDO:0021056, OMIM 175100. Disease mechanism: loss of function.

Submissions (3):

Myriad Genetics, Inc.
Classification: Benign for Familial adenomatous polyposis 1. Last evaluated: 2024-04-03. Review status: criteria provided, single submitter. Criteria: Myriad Autosomal Dominant, Autosomal Recessive and X-Linked Classification Criteria (2023). Collection method: clinical testing. Allele origin: unknown.
Comment: This variant is considered benign. This variant is a silent/synonymous amino acid change and it is not expected to impact splicing.

Ambry Genetics
Classification: Likely benign for Hereditary cancer-predisposing syndrome. Last evaluated: 2022-03-01. Review status: criteria provided, single submitter. Criteria: Ambry Variant Classification Scheme 2023. Collection method: clinical testing. Allele origin: germline.

PreventionGenetics, part of Exact Sciences
Classification: Likely benign for APC-related condition. Last evaluated: 2019-03-25. Review status: no assertion criteria provided. Collection method: clinical testing. Allele origin: germline. Not counted in ClinVar's aggregate classification.
Comment: This variant is classified as likely benign based on ACMG/AMP sequence variant interpretation guidelines (Richards et al. 2015 PMID: 25741868, with internal and published modifications).